The following is an entry in ClinVar:

ClinVar aggregate classification (germline): Benign (0 of 4 stars; one submission).

Conditions:
NAV2-related disorder. Also called: NAV2-related condition.

Allele frequency attached by ClinVar (database versions not stated): ExAC 0.00652; gnomAD 0.01999; ESP Exome Variant Server 0.02113; TOPMed 0.02217; 1000 Genomes Project 30x 0.02233; 1000 Genomes Project 0.02236.
gnomAD v4.1: 5,885 of 1,612,914 alleles (0.36%); highest among the groups gnomAD compares: African/African-American, 7%; 202 homozygotes.

Submission:

PreventionGenetics, part of Exact Sciences
Classification: Benign for NAV2-related condition. Last evaluated: 2020-01-03. Review status: no assertion criteria provided. Collection method: clinical testing. Allele origin: germline.
Comment: This variant is classified as benign based on ACMG/AMP sequence variant interpretation guidelines (Richards et al. 2015 PMID: 25741868, with internal and published modifications).

NM_145117.5(NAV2):c.84C>A (p.Pro28=)

Genes: LEISA1 (lncRNA enhancing IL-6/STAT3 signaling activation 1; minus strand), NAV2 (neuron navigator 2; plus strand). Cytogenetic location: 11p15.1.
Variant type: single nucleotide variant.
Coding change: c.84C>A on transcript NM_145117.5 (MANE Select); coding-DNA position 84, C replaced by A.
Protein change: p.Pro28=; no amino-acid change (proline 28 retained).
Molecular consequence: synonymous variant. On other transcripts: non-coding transcript variant (1), intron variant (1).
Genome position (GRCh38, 1-based): chr11:19,713,779, C>A. VCF-style: chr11-19713779-C-A. GRCh37 (hg19) VCF-style: chr11-19735325-C-A.
Other names: c.84C>A, p.Pro28= (NM_001244963.2, NM_182964.6); c.76-118705C>A (NM_001111018.2).
Identifiers: ClinVar variation 3039323 (VCV003039323.2), dbSNP rs11828836, ClinGen allele CA5917410.
Genomic context (GRCh38, chr11:19,713,779, plus strand): 5'-CAAAATGAAGTCGGGACTGCCCAAACCCGTGCACAGCGCCGCGCCCATCCTGCACGTGCC[C>A]CCGGCCCGGGCGGGCCCCCAGCCCTGCTACCTGAAGTTGGGAAGCAAGGTGGAGGTGAGC-3'
Protein context (NP_660093.2, residues 18-38): VHSAAPILHV[Pro28=]PARAGPQPCY